The following is an entry in ClinVar:

NM_017491.5(WDR1):c.1440G>A (p.Lys480=)

Gene: WDR1 (WD repeat domain 1; minus strand). Cytogenetic location: 4p16.1.
Variant type: single nucleotide variant.
Coding change: c.1440G>A on transcript NM_017491.5 (MANE Select); coding-DNA position 1440, G replaced by A.
Protein change: p.Lys480=; no amino-acid change (lysine 480 retained).
Molecular consequence: synonymous variant.
Genome position (GRCh38, 1-based): chr4:10,077,882, C>T on the plus strand (G>A on the coding strand, the complement: WDR1 is on the minus strand). VCF-style: chr4-10077882-C-T. GRCh37 (hg19) VCF-style: chr4-10079506-C-T.
Other names: c.1020G>A, p.Lys340= (NM_005112.5); c.1440G>A (NM_017491.3).
Identifiers: ClinVar variation 1643060 (VCV001643060.11), dbSNP rs368516020, ClinGen allele CA2857557.

ClinVar aggregate classification (germline): Likely benign. Review status: criteria provided, multiple submitters, no conflicts (2 of 4 stars). 3 submissions from 3 submitters: Likely benign (2). 1 of the submissions does not count toward it. Last evaluated 2025-12-06.

Conditions:
WDR1-related disorder. Also called: WDR1-related condition.

Allele frequency attached by ClinVar (database versions not stated): gnomAD 0.00005 and 0.00006; ESP Exome Variant Server 0.00008; TOPMed 0.00009; gnomAD exomes 0.00012 and 0.00018; ExAC 0.00014; 1000 Genomes Project 30x 0.00016; 1000 Genomes Project 0.00020.
gnomAD v4.1: 263 of 1,611,564 alleles (0.016%); highest among the groups gnomAD compares: Non-Finnish European, 0.02%; no homozygotes.

Submissions (3):

Labcorp Genetics (formerly Invitae), Labcorp
Classification: Likely benign. Last evaluated: 2025-12-06. Review status: criteria provided, single submitter. Criteria: Invitae Variant Classification Sherloc (09022015). Collection method: clinical testing. Allele origin: germline.

Blueprint Genetics
Classification: Likely benign. Last evaluated: 2024-09-05. Review status: criteria provided, single submitter. Criteria: ACMG Guidelines, 2015. Collection method: clinical testing. Allele origin: germline.

PreventionGenetics, part of Exact Sciences
Classification: Likely benign for WDR1-related condition. Last evaluated: 2019-04-30. Review status: no assertion criteria provided. Collection method: clinical testing. Allele origin: germline. Not counted in ClinVar's aggregate classification.
Comment: This variant is classified as likely benign based on ACMG/AMP sequence variant interpretation guidelines (Richards et al. 2015 PMID: 25741868, with internal and published modifications).